The following is an entry in ClinVar:

ClinVar aggregate classification (germline): Pathogenic. Review status: reviewed by expert panel (3 of 4 stars). 4 submissions from 4 submitters: Pathogenic (1). 3 of the submissions do not count toward it. Last evaluated 2016-09-08.

Conditions:
Hereditary cancer-predisposing syndrome. Also called: Hereditary Cancer Syndrome; Hereditary neoplastic syndrome; Neoplastic Syndromes, Hereditary; Tumor predisposition. Identifiers: Orphanet 140162, MedGen C0027672, MeSH D009386, MONDO:0015356.
Hereditary breast ovarian cancer syndrome. Also called: BRCA1- and BRCA2-Associated Hereditary Breast and Ovarian Cancer; Hereditary breast and ovarian cancer syndrome; Hereditary breast and ovarian cancer syndrome (HBOC); Breast and ovarian cancer; Hereditary breast and/or ovarian cancer syndrome; Hereditary breast and ovarian cancer. Identifiers: Orphanet 145, MedGen C0677776, MeSH D061325, MONDO:0003582. Disease mechanism: loss of function.
Breast-ovarian cancer, familial, susceptibility to, 1 (BROVCA1). Also called: BRCA1 Hereditary Breast and Ovarian Cancer; OVARIAN CANCER, SUSCEPTIBILITY TO. Identifiers: Orphanet 145, MedGen C2676676, MONDO:0011450, OMIM 604370. Disease mechanism: loss of function.

Submissions (4):

Evidence-based Network for the Interpretation of Germline Mutant Alleles (ENIGMA)
Classification: Pathogenic for Breast-ovarian cancer, familial, susceptibility to, 1. Last evaluated: 2016-09-08. Review status: reviewed by expert panel. Criteria: ENIGMA BRCA1/2 Classification Criteria (2015). Collection method: curation. Allele origin: germline.
Comment: Variant allele predicted to encode a truncated non-functional protein.

Ambry Genetics
Classification: Pathogenic for Hereditary cancer-predisposing syndrome. Last evaluated: 2022-12-22. Review status: criteria provided, single submitter. Criteria: Ambry Variant Classification Scheme 2023. Collection method: clinical testing. Allele origin: germline. Not counted in ClinVar's aggregate classification.
Comment: The c.4416_4417delTTinsG variant, located in coding exon 12 of the BRCA1 gene, results from the deletion of two nucleotides and insertion of one nucleotide causing a translational frameshift with a predicted alternate stop codon (p.S1473Lfs*32). This alteration is expected to result in loss of function by premature protein truncation or nonsense-mediated mRNA decay. As such, this alteration is interpreted as a disease-causing mutation.

Consortium of Investigators of Modifiers of BRCA1/2 (CIMBA), c/o University of Cambridge
Classification: Pathogenic for Breast-ovarian cancer, familial, susceptibility to, 1. Last evaluated: 2015-10-02. Review status: criteria provided, single submitter. Criteria: CIMBA Mutation Classification guidelines May 2016. Collection method: clinical testing. Allele origin: germline. Not counted in ClinVar's aggregate classification.

Research Molecular Genetics Laboratory, Women's College Hospital, University of Toronto
Classification: Pathogenic for Hereditary breast ovarian cancer syndrome. Last evaluated: 2014-01-31. Review status: no assertion criteria provided. Collection method: research. Allele origin: germline. Affected: yes. Study: The Canadian Open Genetics Repository (COGR). Not counted in ClinVar's aggregate classification.

NM_007294.4(BRCA1):c.4416_4417delinsG (p.Ser1473fs)

Gene: BRCA1 (BRCA1 DNA repair associated; minus strand). Cytogenetic location: 17q21.31.
Variant type: Indel.
Coding change: c.4416_4417delinsG on transcript NM_007294.4 (MANE Select); coding-DNA positions 4416 to 4417, TT replaced by G.
Protein change: p.Ser1473fs; shifts the reading frame from serine 1473.
Molecular consequence: frameshift variant. On other transcripts: non-coding transcript variant (1).
Genome position (GRCh38, 1-based): chr17:43,076,555-43,076,556, AA replaced by C on the plus strand (TT replaced by G on the coding strand, the reverse complement: BRCA1 is on the minus strand). VCF-style: chr17-43076555-AA-C. GRCh37 (hg19) VCF-style: chr17-41228572-AA-C.
Other names: c.843_844delTTinsG, p.Ser282Leufs (NM_001408500.1, NM_001408501.1, NM_001408496.1 and 3 more transcripts); c.840_841delTTinsG, p.Ser281Leufs (NM_001408502.1, NM_001408503.1, NM_001408504.1); c.837_838delTTinsG, p.Ser280Leufs (NM_001408505.1); c.780_781delTTinsG, p.Ser261Leufs (NM_001408506.1); c.777_778delTTinsG, p.Ser260Leufs (NM_001408507.1); c.768_769delTTinsG, p.Ser257Leufs (NM_001408508.1); c.765_766delTTinsG, p.Ser256Leufs (NM_001408509.1); c.726_727delTTinsG, p.Ser243Leufs (NM_001408510.1); and 71 more; short protein forms S1473fs, S1426fs, S1494fs, S369fs.
Identifiers: ClinVar variation 55197 (VCV000055197.7), dbSNP rs397509174, ClinGen allele CA002841.